The following is an entry in ClinVar:

NM_001283009.2(RTEL1):c.1279C>T (p.Pro427Ser)

Genes: RTEL1 (regulator of telomere elongation helicase 1; plus strand), RTEL1-TNFRSF6B (RTEL1-TNFRSF6B readthrough (NMD candidate); plus strand). Cytogenetic location: 20q13.33.
Variant type: single nucleotide variant.
Coding change: c.1279C>T on transcript NM_001283009.2 (MANE Select); coding-DNA position 1279, C replaced by T.
Protein change: p.Pro427Ser; replaces proline 427 with serine.
Molecular consequence: missense variant. On other transcripts: non-coding transcript variant (1).
Genome position (GRCh38, 1-based): chr20:63,685,803, C>T. VCF-style: chr20-63685803-C-T. GRCh37 (hg19) VCF-style: chr20-62317156-C-T.
Other names: c.610C>T, p.Pro204Ser (NM_001283010.1); c.1279C>T, p.Pro427Ser (NM_016434.4); c.1351C>T, p.Pro451Ser (NM_032957.5); short protein forms P204S, P427S, P451S.
Identifiers: ClinVar variation 3055325 (VCV003055325.2), dbSNP rs2517098658, ClinGen allele CA409675953.

ClinVar aggregate classification (germline): Uncertain significance (0 of 4 stars; one submission).

Conditions:
RTEL1-related disorder. Also called: RTEL1-related disorders; RTEL1-related condition.

Allele frequency attached by ClinVar (database versions not stated): gnomAD exomes below 0.00001.
gnomAD v4.1: 1 of 1,612,420 alleles (0.000062%); highest among the groups gnomAD compares: Non-Finnish European, 0.000085%; no homozygotes.

Submission:

PreventionGenetics, part of Exact Sciences
Classification: Uncertain significance for RTEL1-related condition. Last evaluated: 2023-12-08. Review status: no assertion criteria provided. Collection method: clinical testing. Allele origin: germline.
Comment: The RTEL1 c.1351C>T variant is predicted to result in the amino acid substitution p.Pro451Ser. To our knowledge, this variant has not been reported in the literature or in a large population database, indicating this variant is rare. At this time, the clinical significance of this variant is uncertain due to the absence of conclusive functional and genetic evidence.